The following is an entry in ClinVar:

NM_133433.4(NIPBL):c.6635T>A (p.Val2212Glu)

Gene: NIPBL (NIPBL cohesin loading factor; plus strand). Cytogenetic location: 5p13.2.
Variant type: single nucleotide variant.
Coding change: c.6635T>A on transcript NM_133433.4 (MANE Select); coding-DNA position 6635, T replaced by A.
Protein change: p.Val2212Glu; replaces valine 2212 with glutamic acid.
Molecular consequence: missense variant.
Genome position (GRCh38, 1-based): chr5:37,048,547, T>A. VCF-style: chr5-37048547-T-A. GRCh37 (hg19) VCF-style: chr5-37048649-T-A.
Other names: c.6635T>A, p.Val2212Glu (NM_015384.5); short protein forms V2212E.
Identifiers: ClinVar variation 446367 (VCV000446367.4), dbSNP rs1554032789, ClinGen allele CA359508029.

ClinVar aggregate classification (germline): Conflicting classifications of pathogenicity. Review status: criteria provided, conflicting classifications (1 of 4 stars). 2 submissions from 2 submitters: Pathogenic (1); Uncertain significance (1). Last evaluated 2025-04-09.

Conditions:
Cornelia de Lange syndrome 1 (CDLS1). Also called: Brachmann de Lange syndrome; TYPUS DEGENERATIVUS AMSTELODAMENSIS; NIPBL-Related Cornelia de Lange Syndrome. Identifiers: Orphanet 199, MedGen C4551851, MONDO:0007387, OMIM 122470.

Submissions (2):

Labcorp Genetics (formerly Invitae), Labcorp
Classification: Uncertain significance for Cornelia de Lange syndrome 1. Last evaluated: 2025-04-09. Review status: criteria provided, single submitter. Criteria: Invitae Variant Classification Sherloc (09022015). Collection method: clinical testing. Allele origin: germline.
Comment: This sequence change replaces valine, which is neutral and non-polar, with glutamic acid, which is acidic and polar, at codon 2212 of the NIPBL protein (p.Val2212Glu). This variant is not present in population databases (gnomAD no frequency). This missense change has been observed in individual(s) with Cornelia de Lange syndrome (internal data). ClinVar contains an entry for this variant (Variation ID: 446367). Invitae Evidence Modeling of protein sequence and biophysical properties (such as structural, functional, and spatial information, amino acid conservation, physicochemical variation, residue mobility, and thermodynamic stability) indicates that this missense variant is expected to disrupt NIPBL protein function with a positive predictive value of 95%. In summary, the available evidence is currently insufficient to determine the role of this variant in disease. Therefore, it has been classified as a Variant of Uncertain Significance.

Department Of Genetics, Lifeline Super Speciality Hospital, Adoor.
Classification: Pathogenic for Cornelia de Lange syndrome 1. Last evaluated: 2017-09-22. Review status: criteria provided, single submitter. Criteria: ACMG Guidelines, 2015. Collection method: clinical testing. Allele origin: de novo. Affected: yes. Observed: 1 variant allele.

Literature cited by the submitters: DOI 10.1186/s43042-021-00142-3 (cited by Department Of Genetics, Lifeline Super Speciality Hospital, Adoor.).